The following is an entry in ClinVar:

ClinVar aggregate classification (germline): Likely pathogenic (0 of 4 stars; one submission).

Conditions:
ANKRD11-related disorder. Also called: ANKRD11-related condition.

Submission:

PreventionGenetics, part of Exact Sciences
Classification: Likely pathogenic for ANKRD11-related condition. Last evaluated: 2024-07-09. Review status: no assertion criteria provided. Collection method: clinical testing. Allele origin: germline.
Comment: The ANKRD11 c.2225delC variant is predicted to result in a frameshift and premature protein termination (p.Ala742Glufs*7). To our knowledge, this variant has not been reported in the literature or in a large population database, indicating this variant is rare. Frameshift variants in ANKRD11 are expected to be pathogenic. This variant is interpreted as likely pathogenic.

NM_013275.6(ANKRD11):c.2225del (p.Ala742fs)

Gene: ANKRD11 (ankyrin repeat domain containing 11; minus strand). Cytogenetic location: 16q24.3.
Variant type: Deletion.
Coding change: c.2225del on transcript NM_013275.6 (MANE Select); coding-DNA position 2225, one base deleted (C; older notation c.2225delC).
Protein change: p.Ala742fs; shifts the reading frame from alanine 742.
Molecular consequence: frameshift variant.
Genome position (GRCh38, 1-based): chr16:89,284,317, G deleted on the plus strand (C on the coding strand, the reverse complement: ANKRD11 is on the minus strand). VCF-style (leftmost placement, unchanged base first): chr16-89284316-TG-T. GRCh37 (hg19) VCF-style: chr16-89350724-TG-T.
Other names: c.2225del, p.Ala742fs (NM_001256182.2, NM_001256183.2); short protein forms A742fs.
Identifiers: ClinVar variation 3345866 (VCV003345866.1).